The following is an entry in ClinVar:

NM_178857.6(RP1L1):c.796_797insTT (p.Ser266fs)

Gene: RP1L1 (RP1 like 1). Cytogenetic location: 8p23.1.
Variant type: Insertion.
Coding change: c.796_797insTT on transcript NM_178857.6 (MANE Select); coding-DNA positions 796 to 797, TT inserted.
Protein change: p.Ser266fs; shifts the reading frame from serine 266.
Molecular consequence: frameshift variant.
Genome position: GRCh38 VCF-style: chr8-10613301-G-GAA. GRCh37 (hg19) VCF-style: chr8-10470811-G-GAA.
Other names: short protein forms S266fs.
Identifiers: ClinVar variation 2633017 (VCV002633017.1), dbSNP rs2486300886, ClinGen allele CA2695199654.

ClinVar aggregate classification (germline): Likely pathogenic (1 of 4 stars; one submission).

Conditions:
RP1L1-related disorder. Also called: RP1L1-related condition.

Submission:

PreventionGenetics, part of Exact Sciences
Classification: Likely pathogenic for RP1L1-related condition. Last evaluated: 2023-05-17. Review status: criteria provided, single submitter. Criteria: ACMG Guidelines, 2015. Collection method: clinical testing. Allele origin: germline.
Comment: The RP1L1 c.796_797insTT variant is predicted to result in a frameshift and premature protein termination (p.Ser266Phefs*45). To our knowledge, this variant has not been reported in the literature or in a large population database, indicating this variant is rare. Frameshift variants in RP1L1 are expected to be pathogenic. This variant is interpreted as likely pathogenic.